The following is an entry in ClinVar:

NM_003238.6(TGFB2):c.1136G>T (p.Cys379Phe)

Gene: TGFB2 (transforming growth factor beta 2; plus strand). Cytogenetic location: 1q41.
Variant type: single nucleotide variant.
Coding change: c.1136G>T on transcript NM_003238.6 (MANE Select); coding-DNA position 1136, G replaced by T.
Protein change: p.Cys379Phe; replaces cysteine 379 with phenylalanine.
Molecular consequence: missense variant. On other transcripts: non-coding transcript variant (2).
Genome position (GRCh38, 1-based): chr1:218,441,253, G>T. VCF-style: chr1-218441253-G-T. GRCh37 (hg19) VCF-style: chr1-218614595-G-T.
Other names: c.1220G>T, p.Cys407Phe (NM_001135599.4); short protein forms C379F, C407F.
Identifiers: ClinVar variation 854202 (VCV000854202.14), dbSNP rs1660141597, ClinGen allele CA344727861.

ClinVar aggregate classification (germline): Uncertain significance. Review status: criteria provided, multiple submitters, no conflicts (2 of 4 stars). 2 submissions from 2 submitters: Uncertain significance (2). Last evaluated 2025-09-09.

Conditions:
Loeys-Dietz syndrome 4 (LDS4). Also called: ANEURYSM, AORTIC AND CEREBRAL, WITH ARTERIAL TORTUOSITY AND SKELETAL MANIFESTATIONS; TGFB2-Related Loeys-Dietz Syndrome. Identifiers: MedGen C3553762, MONDO:0013897, OMIM 614816.

Submissions (2):

GeneDx
Classification: Uncertain significance. Last evaluated: 2025-09-09. Review status: criteria provided, single submitter. Criteria: GeneDx Variant Classification Process June 2021. Collection method: clinical testing. Allele origin: germline.
Comment: Has not been previously published as pathogenic or benign to our knowledge; Not observed at significant frequency in large population cohorts (gnomAD); In silico analysis supports that this missense variant has a deleterious effect on protein structure/function

Labcorp Genetics (formerly Invitae), Labcorp
Classification: Uncertain significance for Loeys-Dietz syndrome 4. Last evaluated: 2019-06-17. Review status: criteria provided, single submitter. Criteria: Invitae Variant Classification Sherloc (09022015). Collection method: clinical testing. Allele origin: germline.
Comment: In summary, the available evidence is currently insufficient to determine the role of this variant in disease. Therefore, it has been classified as a Variant of Uncertain Significance. Algorithms developed to predict the effect of missense changes on protein structure and function (SIFT, PolyPhen-2, Align-GVGD) all suggest that this variant is likely to be disruptive, but these predictions have not been confirmed by published functional studies and their clinical significance is uncertain. This variant is not present in population databases (ExAC no frequency). This sequence change replaces cysteine with phenylalanine at codon 379 of the TGFB2 protein (p.Cys379Phe). The cysteine residue is highly conserved and there is a large physicochemical difference between cysteine and phenylalanine.